The following is an entry in ClinVar:

ClinVar aggregate classification (germline): Pathogenic. Review status: criteria provided, multiple submitters, no conflicts (2 of 4 stars). 5 submissions from 5 submitters: Pathogenic (4). 1 of the submissions does not count toward it. Last evaluated 2025-05-19.

Conditions:
Hereditary spastic paraplegia 4. Also called: Spastic paraplegia 4, autosomal dominant; Spastic Paraplegia 4; Familial spastic paraplegia autosomal dominant 2. Identifiers: Orphanet 100985, MedGen C1866855, MONDO:0008438, OMIM 182601.

Submissions (5):

Labcorp Genetics (formerly Invitae), Labcorp
Classification: Pathogenic for Hereditary spastic paraplegia 4. Last evaluated: 2025-05-19. Review status: criteria provided, single submitter. Criteria: Invitae Variant Classification Sherloc (09022015). Collection method: clinical testing. Allele origin: germline.
Comment: This sequence change affects a donor splice site in intron 16 of the SPAST gene. While this variant is not anticipated to result in nonsense mediated decay, it likely alters RNA splicing and results in a disrupted protein product. This variant is not present in population databases (gnomAD no frequency). Disruption of this splice site has been observed in individuals with autosomal dominant herditary spastic paraplegia (PMID: 10699187, 15841487). Invitae Evidence Modeling of clinical and family history, age, sex, and reported ancestry of multiple individuals with this SPAST variant has been performed. This variant is expected to be pathogenic with a positive predictive value of at least 99%. This is a validated machine learning model that incorporates the clinical features of 4,195 individuals referred to our laboratory for SPAST testing. This variant is also known as c.1853+1G>A. ClinVar contains an entry for this variant (Variation ID: 566838). Variants that disrupt the consensus splice site are a relatively common cause of aberrant splicing (PMID: 17576681, 9536098). Algorithms developed to predict the effect of sequence changes on RNA splicing suggest that this variant may disrupt the consensus splice site. For these reasons, this variant has been classified as Pathogenic.

Athena Diagnostics
Classification: Pathogenic. Last evaluated: 2024-10-18. Review status: criteria provided, single submitter. Criteria: Athena Diagnostics Criteria. Collection method: clinical testing. Allele origin: unknown.
Comment: This variant is not expected to cause loss of protein expression through nonsense-mediated decay. However, similar variants in this region have been associated with disease, and therefore, this variant is also expected to associate with disease. This variant has been identified in multiple unrelated individuals with clinical features associated with this gene. In some published literature, this variant is referred to as c.1853+1G>A.

GeneDx
Classification: Pathogenic. Last evaluated: 2023-09-26. Review status: criteria provided, single submitter. Criteria: GeneDx Variant Classification Process June 2021. Collection method: clinical testing. Allele origin: germline. Affected: yes.
Comment: Canonical splice site variant predicted to result in a null allele in a gene for which loss of function is a known mechanism of disease; Not observed at significant frequency in large population cohorts (gnomAD); This variant is associated with the following publications: (PMID: 31227335, 25525159, 29980238, 21546041, 31751864, 10699187, 15841487, 36825575, 30564185)

Paris Brain Institute, Inserm - ICM
Classification: Pathogenic for Hereditary spastic paraplegia 4. Review status: criteria provided, single submitter. Criteria: ACMG Guidelines, 2015. Collection method: clinical testing. Allele origin: unknown. Affected: yes. Observed: 1 variant allele.

Genomic Medicine Center of Excellence, King Faisal Specialist Hospital and Research Centre
Classification: Uncertain significance for Hereditary spastic paraplegia 4. Last evaluated: 2025-09-10. Review status: flagged submission. Criteria: ACMG Guidelines, 2015. Collection method: clinical testing. Allele origin: germline. Not counted in ClinVar's aggregate classification.
ClinVar note: Reason: Outlier claim with insufficient supporting evidence

Literature cited by the submitters: PubMed 10699187 (cited by Labcorp Genetics (formerly Invitae), Labcorp and Athena Diagnostics); PubMed 15841487 (cited by Labcorp Genetics (formerly Invitae), Labcorp and Athena Diagnostics); PubMed 17576681 (cited by Labcorp Genetics (formerly Invitae), Labcorp); PubMed 9536098 (cited by Labcorp Genetics (formerly Invitae), Labcorp); PubMed 21834905 (cited by Athena Diagnostics); PubMed 30737580 (cited by Athena Diagnostics); PubMed 28572275 (cited by Athena Diagnostics); PubMed 30564185 (cited by Athena Diagnostics); PubMed 31751864 (cited by Athena Diagnostics).

NM_014946.4(SPAST):c.1728+1G>A

Gene: SPAST (spastin; plus strand). Cytogenetic location: 2p22.3.
Variant type: single nucleotide variant.
Coding change: c.1728+1G>A on transcript NM_014946.4 (MANE Select); the canonical splice donor site of the intron after coding-DNA position 1728, G replaced by A.
Molecular consequence: splice donor variant.
Genome position (GRCh38, 1-based): chr2:32,147,259, G>A. VCF-style: chr2-32147259-G-A. GRCh37 (hg19) VCF-style: chr2-32372328-G-A.
Other names: c.1632+1G>A (NM_199436.2); c.*1+1G>A (NM_001377959.1); c.1725+1G>A (NM_001363823.2); c.1629+1G>A (NM_001363875.2).
Identifiers: ClinVar variation 566838 (VCV000566838.16), dbSNP rs587777754, ClinGen allele CA346504399.